The following is an entry in ClinVar:

NM_001458.5(FLNC):c.2604C>A (p.Ser868Arg)

Gene: FLNC (filamin C; plus strand). Cytogenetic location: 7q32.1.
Variant type: single nucleotide variant.
Coding change: c.2604C>A on transcript NM_001458.5 (MANE Select); coding-DNA position 2604, C replaced by A.
Protein change: p.Ser868Arg; replaces serine 868 with arginine.
Molecular consequence: missense variant.
Genome position (GRCh38, 1-based): chr7:128,843,282, C>A. VCF-style: chr7-128843282-C-A. GRCh37 (hg19) VCF-style: chr7-128483336-C-A.
Other names: c.2604C>A, p.Ser868Arg (NM_001127487.2); short protein forms S868R.
Identifiers: ClinVar variation 1940085 (VCV001940085.5), dbSNP rs2128935920, ClinGen allele CA369192457.

ClinVar aggregate classification (germline): Uncertain significance (1 of 4 stars; one submission).

Conditions:
Myofibrillar myopathy 5. Also called: Filaminopathy (type); FILAMINOPATHY, AUTOSOMAL DOMINANT. Identifiers: Orphanet 171445, MedGen C1836050, MONDO:0012289, OMIM 609524.
Hypertrophic cardiomyopathy 26. Also called: Cardiomyopathy, familial hypertrophic, 26. Identifiers: Orphanet 75249, MedGen C4310749, MONDO:0014883, OMIM 617047.
Distal myopathy with posterior leg and anterior hand involvement. Also called: WILLIAMS DISTAL MYOPATHY. Identifiers: Orphanet 63273, MedGen C3279722, MONDO:0013550, OMIM 614065.

Submission:

Labcorp Genetics (formerly Invitae), Labcorp
Classification: Uncertain significance for Distal myopathy with posterior leg and anterior hand involvement; Myofibrillar myopathy 5; Hypertrophic cardiomyopathy 26. Last evaluated: 2022-12-09. Review status: criteria provided, single submitter. Criteria: Invitae Variant Classification Sherloc (09022015). Collection method: clinical testing. Allele origin: germline.
Comment: In summary, the available evidence is currently insufficient to determine the role of this variant in disease. Therefore, it has been classified as a Variant of Uncertain Significance. Algorithms developed to predict the effect of missense changes on protein structure and function (SIFT, PolyPhen-2, Align-GVGD) all suggest that this variant is likely to be tolerated. This variant has not been reported in the literature in individuals affected with FLNC-related conditions. This variant is not present in population databases (gnomAD no frequency). This sequence change replaces serine, which is neutral and polar, with arginine, which is basic and polar, at codon 868 of the FLNC protein (p.Ser868Arg).